The following is an entry in ClinVar:

ClinVar aggregate classification (germline): Uncertain significance (1 of 4 stars; one submission).

Conditions:
Charcot-Marie-Tooth disease axonal type 2C (HMSN2C). Also called: CHARCOT-MARIE-TOOTH DISEASE, AXONAL, AUTOSOMAL DOMINANT, TYPE 2C; Charcot-Marie-Tooth Neuropathy Type 2C; Charcot-Marie-Tooth Disease Type 2, TRPV4-Related (CMT2C). Identifiers: Orphanet 99937, MedGen C1853710, MONDO:0011633, OMIM 606071.

Allele frequency attached by ClinVar (database versions not stated): gnomAD 0.00001; TOPMed 0.00001.
gnomAD v4.1: 2 of 1,613,780 alleles (0.00012%); highest among the groups gnomAD compares: Non-Finnish European, 0.000085%; no homozygotes.

Submission:

Labcorp Genetics (formerly Invitae), Labcorp
Classification: Uncertain significance for Charcot-Marie-Tooth disease axonal type 2C. Last evaluated: 2023-10-09. Review status: criteria provided, single submitter. Criteria: Invitae Variant Classification Sherloc (09022015). Collection method: clinical testing. Allele origin: germline.
Comment: This sequence change replaces isoleucine, which is neutral and non-polar, with valine, which is neutral and non-polar, at codon 83 of the TRPV4 protein (p.Ile83Val). This variant is not present in population databases (gnomAD no frequency). This variant has not been reported in the literature in individuals affected with TRPV4-related conditions. Advanced modeling of protein sequence and biophysical properties (such as structural, functional, and spatial information, amino acid conservation, physicochemical variation, residue mobility, and thermodynamic stability) performed at Invitae indicates that this missense variant is not expected to disrupt TRPV4 protein function. In summary, the available evidence is currently insufficient to determine the role of this variant in disease. Therefore, it has been classified as a Variant of Uncertain Significance.

NM_021625.5(TRPV4):c.247A>G (p.Ile83Val)

Gene: TRPV4 (transient receptor potential cation channel subfamily V member 4; minus strand). Cytogenetic location: 12q24.11.
Variant type: single nucleotide variant.
Coding change: c.247A>G on transcript NM_021625.5 (MANE Select); coding-DNA position 247, A replaced by G.
Protein change: p.Ile83Val; replaces isoleucine 83 with valine.
Molecular consequence: missense variant.
Genome position (GRCh38, 1-based): chr12:109,814,550, T>C on the plus strand (A>G on the coding strand, the complement: TRPV4 is on the minus strand). VCF-style: chr12-109814550-T-C. GRCh37 (hg19) VCF-style: chr12-110252355-T-C.
Other names: c.247A>G, p.Ile83Val (NM_001177428.2, NM_001177433.2, NM_147204.3); c.145A>G, p.Ile49Val (NM_001177431.2); short protein forms I83V, I49V.
Identifiers: ClinVar variation 2786426 (VCV002786426.3), dbSNP rs1305175033, ClinGen allele CA386660509.